The following is an entry in ClinVar:

ClinVar aggregate classification (germline): Likely pathogenic. Review status: criteria provided, multiple submitters, no conflicts (2 of 4 stars). 2 submissions from 2 submitters: Likely pathogenic (2). Last evaluated 2025-02-05.

Conditions:
Vitelliform macular dystrophy 2. Also called: Best Vitelliform Macular Dystrophy (BVMD); VITELLIFORM MACULAR DYSTROPHY, EARLY-ONSET; VITELLIFORM MACULAR DYSTROPHY, JUVENILE-ONSET; Best vitelliform macular dystrophy, multifocal; MACULAR DEGENERATION, POLYMORPHIC VITELLINE; Best Macular Dystrophy. Identifiers: Orphanet 1243, MedGen C2745945, MONDO:0007931, OMIM 153700.

Submissions (2):

SingHealth Duke-NUS Institute of Precision Medicine
Classification: Likely pathogenic for Vitelliform macular dystrophy 2. Last evaluated: 2025-02-05. Review status: criteria provided, single submitter. Criteria: PRISM ACMG Classification Criteria. Collection method: clinical testing. Allele origin: germline. Affected: yes.
Comment: Variant is located in a mutational hotspot where >50% of variants are pathogenic (PM1). Variant is not found in gnomAD exomes and genomes (PM2). Other variants at this amino acid residue have been classified as pathogenic/likely pathogenic (PM5, p.Glu98Asp; p.Glu98Lys). REVEL score is 0.852 (PP3_mod)

Labcorp Genetics (formerly Invitae), Labcorp
Classification: Likely pathogenic. Last evaluated: 2024-11-06. Review status: criteria provided, single submitter. Criteria: Invitae Variant Classification Sherloc (09022015). Collection method: clinical testing. Allele origin: germline.
Comment: This sequence change replaces glutamic acid, which is acidic and polar, with glycine, which is neutral and non-polar, at codon 98 of the BEST1 protein (p.Glu98Gly). This variant is not present in population databases (gnomAD no frequency). This missense change has been observed in individual(s) with clinical features of autosomal dominant BEST1-related conditions (internal data). ClinVar contains an entry for this variant (Variation ID: 2021263). Invitae Evidence Modeling of protein sequence and biophysical properties (such as structural, functional, and spatial information, amino acid conservation, physicochemical variation, residue mobility, and thermodynamic stability) indicates that this missense variant is expected to disrupt BEST1 protein function with a positive predictive value of 95%. This variant disrupts the p.Glu98 amino acid residue in BEST1. Other variant(s) that disrupt this residue have been observed in individuals with BEST1-related conditions (PMID: 28791410, 30880907; internal data), which suggests that this may be a clinically significant amino acid residue. In summary, the currently available evidence indicates that the variant is pathogenic, but additional data are needed to prove that conclusively. Therefore, this variant has been classified as Likely Pathogenic.

Literature cited by the submitters: PubMed 28791410 (cited by Labcorp Genetics (formerly Invitae), Labcorp); PubMed 30880907 (cited by Labcorp Genetics (formerly Invitae), Labcorp).

NM_004183.4(BEST1):c.293A>G (p.Glu98Gly)

Gene: BEST1 (bestrophin 1; plus strand). Cytogenetic location: 11q12.3.
Variant type: single nucleotide variant.
Coding change: c.293A>G on transcript NM_004183.4 (MANE Select); coding-DNA position 293, A replaced by G.
Protein change: p.Glu98Gly; replaces glutamic acid 98 with glycine.
Molecular consequence: missense variant. On other transcripts: non-coding transcript variant (1).
Genome position (GRCh38, 1-based): chr11:61,955,763, A>G. VCF-style: chr11-61955763-A-G. GRCh37 (hg19) VCF-style: chr11-61723235-A-G.
Other names: c.113A>G, p.Glu38Gly (NM_001139443.3, NM_001300786.2, NM_001300787.2); c.-26A>G (NM_001363591.3); c.293A>G, p.Glu98Gly (NM_001363592.2); c.-883A>G (NM_001363593.3); short protein forms E98G, E38G.
Identifiers: ClinVar variation 2021263 (VCV002021263.5), dbSNP rs2541362236, ClinGen allele CA380834126.